The following is an entry in ClinVar:

ClinVar aggregate classification (germline): Uncertain significance (1 of 4 stars; one submission).

Submission:

GeneDx
Classification: Uncertain significance. Last evaluated: 2025-03-05. Review status: criteria provided, single submitter. Criteria: GeneDx Variant Classification Process June 2021. Collection method: clinical testing. Allele origin: germline. Affected: yes.
Comment: Not observed at significant frequency in large population cohorts (gnomAD); In silico analysis supports that this missense variant has a deleterious effect on protein structure/function; Has not been previously published as pathogenic or benign to our knowledge

NM_017934.7(PHIP):c.3342G>T (p.Lys1114Asn)

Genes: IRAK1BP1 (interleukin 1 receptor associated kinase 1 binding protein 1; plus strand), PHIP (PHIP subunit of CUL4-Ring ligase complex; minus strand). Cytogenetic location: 6q14.1.
Variant type: single nucleotide variant.
Coding change: c.3342G>T on transcript NM_017934.7 (MANE Select); coding-DNA position 3342, G replaced by T.
Protein change: p.Lys1114Asn; replaces lysine 1114 with asparagine.
Molecular consequence: missense variant.
Genome position (GRCh38, 1-based): chr6:78,965,740, C>A on the plus strand (G>T on the coding strand, the complement: PHIP is on the minus strand). VCF-style: chr6-78965740-C-A. GRCh37 (hg19) VCF-style: chr6-79675457-C-A.
Other names: short protein forms K1114N.
Identifiers: ClinVar variation 4082904 (VCV004082904.1).